The following is an entry in ClinVar:

ClinVar aggregate classification (germline): Uncertain significance (1 of 4 stars; one submission).

Conditions:
X-linked intellectual disability Cabezas type (MRXSC). Also called: Intellectual developmental disorder, X-linked syndromic, Cabezas type; CABEZAS SYNDROME; MENTAL RETARDATION, X-LINKED, SYNDROMIC 15. Identifiers: Orphanet 85289, Orphanet 85293, MedGen C1845861, MONDO:0010306, OMIM 300354.

Submission:

Labcorp Genetics (formerly Invitae), Labcorp
Classification: Uncertain significance for X-linked intellectual disability Cabezas type. Last evaluated: 2022-06-19. Review status: criteria provided, single submitter. Criteria: Invitae Variant Classification Sherloc (09022015). Collection method: clinical testing. Allele origin: germline.
Comment: In summary, the available evidence is currently insufficient to determine the role of this variant in disease. Therefore, it has been classified as a Variant of Uncertain Significance. Algorithms developed to predict the effect of missense changes on protein structure and function (SIFT, PolyPhen-2, Align-GVGD) all suggest that this variant is likely to be tolerated. This variant has not been reported in the literature in individuals affected with CUL4B-related conditions. This variant is not present in population databases (gnomAD no frequency). This sequence change replaces tyrosine, which is neutral and polar, with phenylalanine, which is neutral and non-polar, at codon 250 of the CUL4B protein (p.Tyr250Phe).

NM_001079872.2(CUL4B):c.695A>T (p.Tyr232Phe)

Gene: CUL4B (cullin 4B; minus strand). Cytogenetic location: Xq24.
Variant type: single nucleotide variant.
Coding change: c.695A>T on transcript NM_001079872.2 (MANE Select); coding-DNA position 695, A replaced by T.
Protein change: p.Tyr232Phe; replaces tyrosine 232 with phenylalanine.
Molecular consequence: missense variant.
Genome position (GRCh38, 1-based): chrX:120,547,217, T>A on the plus strand (A>T on the coding strand, the complement: CUL4B is on the minus strand). VCF-style: chrX-120547217-T-A. GRCh37 (hg19) VCF-style: chrX-119681072-T-A.
Other names: c.710A>T, p.Tyr237Phe (NM_001330624.2); c.161A>T, p.Tyr54Phe (NM_001369145.1); c.749A>T, p.Tyr250Phe (NM_003588.4); short protein forms Y54F, Y232F, Y237F, Y250F.
Identifiers: ClinVar variation 2008234 (VCV002008234.4), dbSNP rs2521136592, ClinGen allele CA414201205.